The following is an entry in ClinVar:

ClinVar aggregate classification (germline): Uncertain significance. Review status: criteria provided, multiple submitters, no conflicts (2 of 4 stars). 3 submissions from 3 submitters: Uncertain significance (2). 1 of the submissions does not count toward it. Last evaluated 2024-08-13.

Conditions:
Achondrogenesis, type IB (ACG1B). Also called: Achondrogenesis Type 1B. Identifiers: Orphanet 932, Orphanet 93298, MedGen C0265274, MONDO:0010966, OMIM 600972.
Diastrophic dysplasia (DTD). Also called: Diastrophic dwarfism. Identifiers: Orphanet 628, MedGen C0220726, MONDO:0009107, OMIM 222600.
Atelosteogenesis type II (AO2). Also called: Neonatal osseous dysplasia 1; SLC26A2-Related Atelosteogenesis; NEONATAL OSSEOUS DYSPLASIA I. Identifiers: Orphanet 56304, MedGen C1850554, MONDO:0009727, OMIM 256050.
Multiple epiphyseal dysplasia type 4 (EDM4). Also called: Multiple Epiphyseal Dysplasia, Recessive; SLC26A2-Related Multiple Epiphyseal Dysplasia; MULTIPLE EPIPHYSEAL DYSPLASIA WITH BILAYERED PATELLAE; MULTIPLE EPIPHYSEAL DYSPLASIA WITH CLUBFOOT; MULTIPLE EPIPHYSEAL DYSPLASIA, AUTOSOMAL RECESSIVE. Identifiers: Orphanet 93307, MedGen C1847593, MONDO:0009189, OMIM 226900.

Allele frequency attached by ClinVar (database versions not stated): ExAC 0.00001; TOPMed 0.00002.
gnomAD v4.1: 35 of 1,614,072 alleles (0.0022%); highest among the groups gnomAD compares: Admixed American, 0.01%; no homozygotes.

Submissions (3):

GeneDx
Classification: Uncertain significance. Last evaluated: 2024-08-13. Review status: criteria provided, single submitter. Criteria: GeneDx Variant Classification Process June 2021. Collection method: clinical testing. Allele origin: germline. Affected: yes.
Comment: In silico analysis supports that this missense variant has a deleterious effect on protein structure/function; Has not been previously published as pathogenic or benign to our knowledge

Labcorp Genetics (formerly Invitae), Labcorp
Classification: Uncertain significance for Atelosteogenesis type II; Multiple epiphyseal dysplasia type 4; Achondrogenesis, type IB; Diastrophic dysplasia. Last evaluated: 2021-08-24. Review status: criteria provided, single submitter. Criteria: Invitae Variant Classification Sherloc (09022015). Collection method: clinical testing. Allele origin: germline.
Comment: This sequence change replaces arginine with histidine at codon 545 of the SLC26A2 protein (p.Arg545His). The arginine residue is highly conserved and there is a small physicochemical difference between arginine and histidine. This variant is present in population databases (rs745802790, ExAC 0.009%). This variant has not been reported in the literature in individuals affected with SLC26A2-related conditions. Algorithms developed to predict the effect of missense changes on protein structure and function are either unavailable or do not agree on the potential impact of this missense change (SIFT: "Deleterious"; PolyPhen-2: "Probably Damaging"; Align-GVGD: "Class C0"). In summary, the available evidence is currently insufficient to determine the role of this variant in disease. Therefore, it has been classified as a Variant of Uncertain Significance.

Natera, Inc.
Classification: Uncertain significance for Achondrogenesis type IB. Last evaluated: 2020-01-04. Review status: no assertion criteria provided. Collection method: clinical testing. Allele origin: germline. Not counted in ClinVar's aggregate classification.

NM_000112.4(SLC26A2):c.1634G>A (p.Arg545His)

Gene: SLC26A2 (solute carrier family 26 member 2; plus strand). Cytogenetic location: 5q32.
Variant type: single nucleotide variant.
Coding change: c.1634G>A on transcript NM_000112.4 (MANE Select); coding-DNA position 1634, G replaced by A.
Protein change: p.Arg545His; replaces arginine 545 with histidine.
Molecular consequence: missense variant.
Genome position (GRCh38, 1-based): chr5:149,981,227, G>A. VCF-style: chr5-149981227-G-A. GRCh37 (hg19) VCF-style: chr5-149360790-G-A.
Other names: short protein forms R545H.
Identifiers: ClinVar variation 970548 (VCV000970548.5), dbSNP rs745802790, ClinGen allele CA3505469.